The following is an entry in ClinVar:

NM_000901.5(NR3C2):c.2453C>T (p.Ser818Leu)

Gene: NR3C2 (nuclear receptor subfamily 3 group C member 2; minus strand). Cytogenetic location: 4q31.23.
Variant type: single nucleotide variant.
Coding change: c.2453C>T on transcript NM_000901.5 (MANE Select); coding-DNA position 2453, C replaced by T.
Protein change: p.Ser818Leu; replaces serine 818 with leucine.
Molecular consequence: missense variant.
Genome position (GRCh38, 1-based): chr4:148,152,526, G>A on the plus strand (C>T on the coding strand, the complement: NR3C2 is on the minus strand). VCF-style: chr4-148152526-G-A. GRCh37 (hg19) VCF-style: chr4-149073677-G-A.
Other names: S181L; c.2102C>T, p.Ser701Leu (NM_001166104.2, NM_001354819.1); short protein forms S701L, S818L.
Identifiers: ClinVar variation 8571 (VCV000008571.5), dbSNP rs121912573, ClinGen allele CA119754.
Genomic context (GRCh38, chr4:148,152,526, plus strand): 5'-TACTCATTAAAGACTAGGTCTGGTGCAAAATAGAGAAATTGGCTGTTCGTATGTTTGTAC[G>A]ATCTCCAGCTCAAGGCAAATGATGATAGACACATCCAAGAATACTGGATTAGGGTAATTT-3'
Protein context (NP_000892.2, residues 808-828): CLSSFALSWR[Ser818Leu]YKHTNSQFLY

ClinVar aggregate classification (germline): Pathogenic. Review status: criteria provided, single submitter (1 of 4 stars). 2 submissions from 2 submitters: Pathogenic (1). 1 of the submissions does not count toward it. Last evaluated 2023-10-29.

Conditions:
Autosomal dominant pseudohypoaldosteronism type 1. Also called: Pseudohypoaldosteronism, Type I, Autosomal Dominant; PHA I, AUTOSOMAL DOMINANT; Pseudohypoaldosteronism, Type I, Dominant. Identifiers: Orphanet 171871, Orphanet 756, MedGen C1449842, MONDO:0008329, OMIM 177735.

Allele frequency attached by ClinVar (database versions not stated): gnomAD exomes below 0.00001.
gnomAD v4.1: 1 of 1,614,082 alleles (0.000062%); highest among the groups gnomAD compares: Non-Finnish European, 0.000085%; no homozygotes.

Submissions (2):

Labcorp Genetics (formerly Invitae), Labcorp
Classification: Pathogenic. Last evaluated: 2023-10-29. Review status: criteria provided, single submitter. Criteria: Invitae Variant Classification Sherloc (09022015). Collection method: clinical testing. Allele origin: germline.
Comment: This sequence change replaces serine, which is neutral and polar, with leucine, which is neutral and non-polar, at codon 818 of the NR3C2 protein (p.Ser818Leu). This variant is not present in population databases (gnomAD no frequency). This missense change has been observed in individual(s) with pseudohypoaldosteronism type I (PMID: 16611713, 16954160). In at least one individual the variant was observed to be de novo. ClinVar contains an entry for this variant (Variation ID: 8571). Advanced modeling of protein sequence and biophysical properties (such as structural, functional, and spatial information, amino acid conservation, physicochemical variation, residue mobility, and thermodynamic stability) performed at Invitae indicates that this missense variant is expected to disrupt NR3C2 protein function with a positive predictive value of 80%. Experimental studies have shown that this missense change affects NR3C2 function (PMID: 16611713, 16954160). For these reasons, this variant has been classified as Pathogenic.

OMIM
Classification: Pathogenic for PSEUDOHYPOALDOSTERONISM, TYPE I, AUTOSOMAL DOMINANT. Last evaluated: 2006-11-01. Review status: no assertion criteria provided. Collection method: literature only. Allele origin: germline. Not counted in ClinVar's aggregate classification.

Literature cited by the submitters: PubMed 16611713 (cited by Labcorp Genetics (formerly Invitae), Labcorp and OMIM); PubMed 16954160 (cited by Labcorp Genetics (formerly Invitae), Labcorp and OMIM).